The following is an entry in ClinVar:

ClinVar aggregate classification (germline): Uncertain significance (1 of 4 stars; one submission).

Conditions:
Hereditary breast ovarian cancer syndrome. Also called: Breast and ovarian cancer; BRCA1- and BRCA2-Associated Hereditary Breast and Ovarian Cancer; Hereditary breast and ovarian cancer; Hereditary breast and/or ovarian cancer syndrome; Hereditary breast and ovarian cancer syndrome; Hereditary breast and ovarian cancer syndrome (HBOC). Identifiers: Orphanet 145, MedGen C0677776, MeSH D061325, MONDO:0003582. Disease mechanism: loss of function.

Submission:

Labcorp Genetics (formerly Invitae), Labcorp
Classification: Uncertain significance for Hereditary breast ovarian cancer syndrome. Last evaluated: 2023-03-18. Review status: criteria provided, single submitter. Criteria: Invitae Variant Classification Sherloc (09022015). Collection method: clinical testing. Allele origin: germline.
Comment: In summary, the available evidence is currently insufficient to determine the role of this variant in disease. Therefore, it has been classified as a Variant of Uncertain Significance. Algorithms developed to predict the effect of sequence changes on RNA splicing suggest that this variant is not likely to affect RNA splicing. This variant has not been reported in the literature in individuals affected with BRCA1-related conditions. This variant is not present in population databases (gnomAD no frequency). This variant occurs in a non-coding region of the BRCA1 gene. It does not change the encoded amino acid sequence of the BRCA1 protein.

NM_007294.4(BRCA1):c.-19-12A>G

Gene: BRCA1 (BRCA1 DNA repair associated; minus strand). Cytogenetic location: 17q21.31.
Variant type: single nucleotide variant.
Coding change: c.-19-12A>G on transcript NM_007294.4 (MANE Select); 12 bases into the intron before 19 bases upstream of the start codon, A replaced by G.
Molecular consequence: intron variant. On other transcripts: 5 prime UTR variant (10).
Genome position (GRCh38, 1-based): chr17:43,124,127, T>C on the plus strand (A>G on the coding strand, the complement: BRCA1 is on the minus strand). VCF-style: chr17-43124127-T-C. GRCh37 (hg19) VCF-style: chr17-41276144-T-C.
Other names: c.-31A>G (NM_001407593.1, NM_001407610.1, NM_001407621.1 and 6 more transcripts); c.-219A>G (NM_001408483.1); c.-61-8348A>G (NM_001408458.1); c.-219+1150A>G (NM_001407967.1); c.-170+1150A>G (NM_001407959.1); c.-8+1150A>G (NM_001407931.1, NM_001407747.1); c.-224+1150A>G (NM_001407962.1, NM_001408512.1, NM_001408510.1); c.-109+1150A>G (NM_001407885.1); and 28 more.
Identifiers: ClinVar variation 2912004 (VCV002912004.3), dbSNP rs2552279109, ClinGen allele CA2739267556.